The following is an entry in ClinVar:

ClinVar aggregate classification (germline): Pathogenic (1 of 4 stars; one submission).

Allele frequency attached by ClinVar (database versions not stated): ExAC 0.00001.
gnomAD v4.1: 2 of 1,607,982 alleles (0.00012%); highest among the groups gnomAD compares: Non-Finnish European, 0.000085%; no homozygotes.

Submission:

Labcorp Genetics (formerly Invitae), Labcorp
Classification: Pathogenic. Last evaluated: 2023-06-03. Review status: criteria provided, single submitter. Criteria: Invitae Variant Classification Sherloc (09022015). Collection method: clinical testing. Allele origin: germline.
Comment: This sequence change creates a premature translational stop signal (p.Arg1181*) in the PIK3C2A gene. It is expected to result in an absent or disrupted protein product. Loss-of-function variants in PIK3C2A are known to be pathogenic (PMID: 31034465). The frequency data for this variant in the population databases is considered unreliable, as metrics indicate poor data quality at this position in the gnomAD database. This variant has not been reported in the literature in individuals affected with PIK3C2A-related conditions. For these reasons, this variant has been classified as Pathogenic.

Literature cited by the submitters: PubMed 31034465.

NM_002645.4(PIK3C2A):c.3541C>T (p.Arg1181Ter)

Gene: PIK3C2A (phosphatidylinositol-4-phosphate 3-kinase catalytic subunit type 2 alpha; minus strand). Cytogenetic location: 11p15.1.
Variant type: single nucleotide variant.
Coding change: c.3541C>T on transcript NM_002645.4 (MANE Select); coding-DNA position 3541, C replaced by T.
Protein change: p.Arg1181Ter; replaces arginine 1181 with a stop codon.
Molecular consequence: nonsense.
Genome position (GRCh38, 1-based): chr11:17,110,435, G>A on the plus strand (C>T on the coding strand, the complement: PIK3C2A is on the minus strand). VCF-style: chr11-17110435-G-A. GRCh37 (hg19) VCF-style: chr11-17131982-G-A.
Other names: c.3541C>T, p.Arg1181Ter (NM_001321378.2); c.2401C>T, p.Arg801Ter (NM_001321380.2); c.3373C>T, p.Arg1125Ter (NM_001386870.1); short protein forms R1125*, R1181*, R801*.
Identifiers: ClinVar variation 2763849 (VCV002763849.3), dbSNP rs758670140, ClinGen allele CA5900754.